The following is an entry in ClinVar:

NM_002775.5(HTRA1):c.821G>A (p.Arg274Gln)

Gene: HTRA1 (HtrA serine peptidase 1; plus strand). Cytogenetic location: 10q26.13.
Variant type: single nucleotide variant.
Coding change: c.821G>A on transcript NM_002775.5 (MANE Select); coding-DNA position 821, G replaced by A.
Protein change: p.Arg274Gln; replaces arginine 274 with glutamine.
Molecular consequence: missense variant.
Genome position (GRCh38, 1-based): chr10:122,506,734, G>A. VCF-style: chr10-122506734-G-A. GRCh37 (hg19) VCF-style: chr10-124266250-G-A.
Other names: short protein forms R274Q.
Identifiers: ClinVar variation 156099 (VCV000156099.8), dbSNP rs587776445, ClinGen allele CA345923.

ClinVar aggregate classification (germline): Pathogenic/Likely pathogenic. Review status: criteria provided, multiple submitters, no conflicts (2 of 4 stars). 4 submissions from 4 submitters: Pathogenic (1); Likely pathogenic (2). 1 of the submissions does not count toward it. Last evaluated 2026-03-24.

Conditions:
HTRA1-related disorders.
Cerebral arteriopathy, autosomal recessive, with subcortical infarcts and leukoencephalopathy 2. Also called: CARASIL syndrome; CEREBROVASCULAR DISEASE WITH THIN SKIN, ALOPECIA, AND DISC DISEASE; MAEDA SYNDROME; SUBCORTICAL VASCULAR ENCEPHALOPATHY, PROGRESSIVE; Cerebral autosomal recessive arteriopathy with subcortical infarcts and leukoencephalopathy. Identifiers: Orphanet 199354, MedGen C6022615, MONDO:0010829, OMIM 600142.

Allele frequency attached by ClinVar (database versions not stated): gnomAD exomes below 0.00001; TOPMed below 0.00001; ExAC 0.00001; gnomAD 0.00001.
gnomAD v4.1: 4 of 1,613,500 alleles (0.00025%); highest among the groups gnomAD compares: Non-Finnish European, 0.00034%; no homozygotes.

Submissions (4):

Women's Health and Genetics/Laboratory Corporation of America, LabCorp
Classification: Pathogenic for Cerebral arteriopathy, autosomal recessive, with subcortical infarcts and leukoencephalopathy 2. Last evaluated: 2026-03-24. Review status: criteria provided, single submitter. Criteria: LabCorp Variant Classification Summary - May 2015. Collection method: clinical testing. Allele origin: germline.
Comment: Variant summary: HTRA1 c.821G>A (p.Arg274Gln) results in a conservative amino acid change in the encoded protein sequence. Algorithms developed to predict the effect of missense changes on protein structure and function are either unavailable or do not agree on the potential impact of this missense change. The variant allele was found at a frequency of 4e-06 in 250866 control chromosomes. c.821G>A has been observed in the homozygous state in 2 related and a further unrelated individual(s) affected with clinical features of autosomal recessive CARASIL syndrome (example Nishimoto_2011, Badachi_2020). These data indicate that the variant is very likely to be associated with disease. Multiple publications report experimental evidence evaluating an impact on protein function in vitro. The most pronounced variant effect results in <10% of normal activity, however other labs have reported as high as 27% activity vs. controls when this variant is in the homozygous state (example, Malik_2021, Nozaki_2016, Nishimoto_2011). The following publications have been ascertained in the context of this evaluation (PMID: 21482952, 34626176, 27164673). ClinVar contains an entry for this variant (Variation ID: 156099). Based on the evidence outlined above, the variant was classified as pathogenic for autosomal dominant CADASIL and autosomal recessive CARASIL.

Labcorp Genetics (formerly Invitae), Labcorp
Classification: Likely pathogenic. Last evaluated: 2023-09-03. Review status: criteria provided, single submitter. Criteria: Invitae Variant Classification Sherloc (09022015). Collection method: clinical testing. Allele origin: germline.
Comment: In summary, the currently available evidence indicates that the variant is pathogenic, but additional data are needed to prove that conclusively. Therefore, this variant has been classified as Likely Pathogenic. Experimental studies have shown that this missense change affects HTRA1 function (PMID: 21482952, 25506911, 27164673, 31316458). Advanced modeling of protein sequence and biophysical properties (such as structural, functional, and spatial information, amino acid conservation, physicochemical variation, residue mobility, and thermodynamic stability) performed at Invitae indicates that this missense variant is not expected to disrupt HTRA1 protein function. ClinVar contains an entry for this variant (Variation ID: 156099). This missense change has been observed in individual(s) with CARASIL (PMID: 21482952). It has also been observed to segregate with disease in related individuals. This variant is present in population databases (rs587776445, gnomAD 0.002%). This sequence change replaces arginine, which is basic and polar, with glutamine, which is neutral and polar, at codon 274 of the HTRA1 protein (p.Arg274Gln).

Blueprint Genetics
Classification: Likely pathogenic for HTRA1-related disorders. Last evaluated: 2023-01-11. Review status: criteria provided, single submitter. Criteria: ACMG Guidelines, 2015. Collection method: clinical testing. Allele origin: germline. Affected: yes. Observed: 1 variant allele.

GeneReviews
No classification provided. Condition: Cerebral arteriopathy, autosomal recessive, with subcortical infarcts and leukoencephalopathy 2. Review status: no classification provided. Collection method: literature only. Allele origin: germline. Affected: yes. Not counted in ClinVar's aggregate classification.

Literature cited by the submitters: PubMed 34626176 (cited by Women's Health and Genetics/Laboratory Corporation of America, LabCorp); PubMed 27164673 (cited by Women's Health and Genetics/Laboratory Corporation of America, LabCorp and Labcorp Genetics (formerly Invitae), Labcorp); PubMed 33223683 (cited by Women's Health and Genetics/Laboratory Corporation of America, LabCorp); PubMed 21482952 (cited by 3 submitters); PubMed 25506911 (cited by Labcorp Genetics (formerly Invitae), Labcorp); PubMed 31316458 (cited by Labcorp Genetics (formerly Invitae), Labcorp); NCBI Bookshelf NBK32533 (cited by GeneReviews).